The following is an entry in ClinVar:

NM_001177693.2(ARHGEF28):c.4647G>A (p.Glu1549=)

Gene: ARHGEF28 (Rho guanine nucleotide exchange factor 28; plus strand). Cytogenetic location: 5q13.2.
Variant type: single nucleotide variant.
Coding change: c.4647G>A on transcript NM_001177693.2 (MANE Select); coding-DNA position 4647, G replaced by A.
Protein change: p.Glu1549=; no amino-acid change (glutamic acid 1549 retained).
Molecular consequence: synonymous variant.
Genome position (GRCh38, 1-based): chr5:73,909,897, G>A. VCF-style: chr5-73909897-G-A. GRCh37 (hg19) VCF-style: chr5-73205722-G-A.
Other names: NC_000005.9:g.73205722G>A; c.4647G>A, p.Glu1549= (NM_001080479.3, NM_001388078.1); c.3708G>A, p.Glu1236= (NM_001244364.2); c.4353G>A, p.Glu1451= (NM_001388076.1).
Identifiers: ClinVar variation 3048588 (VCV003048588.3), dbSNP rs760502222, ClinGen allele CA3305390.

ClinVar aggregate classification (germline): Likely benign (0 of 4 stars; one submission).

Conditions:
ARHGEF28-related disorder. Also called: ARHGEF28-related condition.

Allele frequency attached by ClinVar (database versions not stated): gnomAD exomes 0.00010; gnomAD 0.00014; TOPMed 0.00015; ExAC 0.00020.
gnomAD v4.1: 160 of 1,499,790 alleles (0.011%); highest among the groups gnomAD compares: Admixed American, 0.02%; no homozygotes.

Submissions (3):

PreventionGenetics, part of Exact Sciences
Classification: Likely benign for ARHGEF28-related condition. Last evaluated: 2019-12-24. Review status: no assertion criteria provided. Collection method: clinical testing. Allele origin: germline.
Comment: This variant is classified as likely benign based on ACMG/AMP sequence variant interpretation guidelines (Richards et al. 2015 PMID: 25741868, with internal and published modifications).

Dr. Peter K. Rogan Lab, Western University
No classification provided (evidence only). Condition: Ovarian serous cystadenocarcinoma. Review status: no classification provided. Collection method: in vitro. Allele origin: not applicable. Functional consequence: retained intron. Not counted in ClinVar's aggregate classification.

Dr. Peter K. Rogan Lab, Western University
No classification provided (evidence only). Condition: Ovarian cancer. Review status: no classification provided. Collection method: in vitro. Allele origin: not applicable. Functional consequence: retained intron. Not counted in ClinVar's aggregate classification.